The following is an entry in ClinVar:

ClinVar aggregate classification (germline): Uncertain significance (1 of 4 stars; one submission).

Conditions:
Holoprosencephaly 5 (HPE5). Identifiers: Orphanet 2162, MedGen C1864827, MONDO:0012322, OMIM 609637.

Submission:

3billion
Classification: Uncertain significance for Holoprosencephaly 5. Last evaluated: 2022-05-22. Review status: criteria provided, single submitter. Criteria: ACMG Guidelines, 2015. Collection method: clinical testing. Allele origin: germline. Affected: yes. Observed: 1 heterozygote.
Comment: The variant is not observed in the gnomAD v2.1.1 dataset. In silico tool predictions suggest damaging effect of the variant on gene or gene product (REVEL: 0.95; 3Cnet: 0.70). Same nucleotide change resulting in same amino acid change (PMID: 19177455) and different missense changes at the same codon (p.His286Gln, p.His286Leu; PMID: 19177455, 29992659) have been previously reported to be associated with ZIC2 related disorder. However the evidence of pathogenicity is insufficient at this time. Therefore, this variant is classified as uncertain significanceaccording to the recommendation of ACMG/AMP guideline.

Literature cited by the submitters: PubMed 29992659; PubMed 19177455.

NM_007129.5(ZIC2):c.856C>T (p.His286Tyr)

Gene: ZIC2 (Zic family member 2; plus strand). Cytogenetic location: 13q32.3.
Variant type: single nucleotide variant.
Coding change: c.856C>T on transcript NM_007129.5 (MANE Select); coding-DNA position 856, C replaced by T.
Protein change: p.His286Tyr; replaces histidine 286 with tyrosine.
Molecular consequence: missense variant.
Genome position (GRCh38, 1-based): chr13:99,982,920, C>T. VCF-style: chr13-99982920-C-T. GRCh37 (hg19) VCF-style: chr13-100635174-C-T.
Other names: short protein forms H286Y.
Identifiers: ClinVar variation 1687538 (VCV001687538.1), dbSNP rs2152162715, ClinGen allele CA388638238.